The following is an entry in ClinVar:

NM_001278716.2(FBXL4):c.1555C>T (p.Gln519Ter)

Gene: FBXL4 (F-box and leucine rich repeat protein 4; minus strand). Cytogenetic location: 6q16.1.
Variant type: single nucleotide variant.
Coding change: c.1555C>T on transcript NM_001278716.2 (MANE Select); coding-DNA position 1555, C replaced by T.
Protein change: p.Gln519Ter; replaces glutamine 519 with a stop codon.
Molecular consequence: nonsense. On other transcripts: non-coding transcript variant (1).
Genome position (GRCh38, 1-based): chr6:98,875,562, G>A on the plus strand (C>T on the coding strand, the complement: FBXL4 is on the minus strand). VCF-style: chr6-98875562-G-A. GRCh37 (hg19) VCF-style: chr6-99323438-G-A.
Other names: c.1555C>T, p.Gln519Ter (NM_012160.5); short protein forms Q519*.
Identifiers: ClinVar variation 66090 (VCV000066090.44), dbSNP rs398123059, ClinGen allele CA144883.
Genomic context (GRCh38, chr6:98,875,562, plus strand): 5'-AGAGTTTTTGCAAGTTTGGGAGCTGGTGTGCCAGTCTGGTGAAGCACCCGGTGCTGCTCT[G>A]CAGAGTTGGGCACCAGCCAAGGTCAAGCTCCTCCAGTAGTGGACACCCAGAAGCCAGTTC-3'

ClinVar aggregate classification (germline): Conflicting classifications of pathogenicity. Review status: criteria provided, conflicting classifications (1 of 4 stars). 5 submissions from 5 submitters: Pathogenic (3); Uncertain significance (1). 1 of the submissions does not count toward it. Last evaluated 2024-03-26.

Conditions:
Mitochondrial DNA depletion syndrome 13. Also called: FBXL4-Related Encephalomyopathic Mitochondrial DNA Depletion Syndrome; Mitochondrial DNA depletion syndrome 13 (encephalomyopathic type). Identifiers: Orphanet 369897, MedGen C3809592, MONDO:0014198, OMIM 615471.

Submissions (5):

Genomic Medicine Center of Excellence, King Faisal Specialist Hospital and Research Centre
Classification: Uncertain significance for Mitochondrial DNA depletion syndrome 13. Last evaluated: 2024-03-26. Review status: criteria provided, single submitter. Criteria: ACMG Guidelines, 2015. Collection method: clinical testing. Allele origin: germline.

Institute of Human Genetics, University of Leipzig Medical Center
Classification: Pathogenic for Mitochondrial DNA depletion syndrome 13. Last evaluated: 2020-02-01. Review status: criteria provided, single submitter. Criteria: ACMG Guidelines, 2015. Collection method: clinical testing. Allele origin: germline. Affected: yes. Observed: 1 variant allele.

CeGaT Center for Human Genetics Tuebingen
Classification: Pathogenic. Last evaluated: 2019-12-01. Review status: criteria provided, single submitter. Criteria: CeGaT Center For Human Genetics Tuebingen Variant Classification Criteria Version 2. Collection method: clinical testing. Allele origin: germline. Affected: yes. Observed: 3 variant alleles.

Wong Mito Lab, Molecular and Human Genetics, Baylor College of Medicine
Classification: Pathogenic for Mitochondrial DNA depletion syndrome 13. Last evaluated: 2017-08-10. Review status: criteria provided, single submitter. Criteria: ACMG Guidelines, 2015. Collection method: clinical testing. Allele origin: germline. Affected: yes.
Comment: The NM_012160.4:c.1555C>T (NP_036292.2:p.Gln519Ter) [GRCH38: NC_000006.12:g.98875562G>A] variant in FBXL4 gene is interpretated to be a Pathogenic based on ACMG guidelines (PMID: 25741868). This variant has been reported in PMID:23993193 ; 25868664 . This variant meets one or more of the following evidence codes reported in the ACMG-guideline. PVS1:This variant is a predcted null variant in FBXL4 where loss of function is a known mechanism of disease. PM2:This variant is absent in key population databases. PP1:This variant is co-segregated with Mitochondrial DNA depletion syndrome 13 in multiple affected family members. PP4:Patientâ€™s phenotype or family history is highly specific for FBXL4. PP5:Reputable source(s) suggest that the variant is pathogenic. Based on this evidence code ClinGen Pathogenicity Calculator (PMID:28081714) suggested that the variant is Pathogenic.

OMIM
Classification: Pathogenic for MITOCHONDRIAL DNA DEPLETION SYNDROME 13 (ENCEPHALOMYOPATHIC TYPE). Last evaluated: 2013-09-05. Review status: no assertion criteria provided. Collection method: literature only. Allele origin: germline. Not counted in ClinVar's aggregate classification.

Literature cited by the submitters: PubMed 23993193 (cited by Wong Mito Lab, Molecular and Human Genetics, Baylor College of Medicine and OMIM); PubMed 25868664 (cited by Wong Mito Lab, Molecular and Human Genetics, Baylor College of Medicine).